The following is an entry in ClinVar:

NM_001114753.3(ENG):c.360+4_360+7del

Gene: ENG (endoglin; minus strand). Cytogenetic location: 9q34.11.
Variant type: Deletion.
Coding change: c.360+4_360+7del on transcript NM_001114753.3 (MANE Select); bases 4 to 7 of the intron after coding-DNA position 360, 4 bases deleted (AGTG; older notation c.360+4_360+7delAGTG).
Molecular consequence: splice donor variant.
Genome position (GRCh38, 1-based): chr9:127,829,680-127,829,683, CACT deleted on the plus strand (AGTG on the coding strand, the reverse complement: ENG is on the minus strand); deleting any 4 consecutive bases within chr9:127,829,680-127,829,686 gives the same sequence; the c. name uses the placement nearest the transcript's 3' end. VCF-style (leftmost placement, unchanged base first): chr9-127829679-ACACT-A. GRCh37 (hg19) VCF-style: chr9-130591958-ACACT-A.
Other names: c.360+4_360+7del (NM_000118.4, NM_001406715.1); c.-187+4_-187+7del (NM_001278138.2).
Identifiers: ClinVar variation 1496817 (VCV001496817.8), dbSNP rs2131894927, ClinGen allele CA2573143994.

ClinVar aggregate classification (germline): Pathogenic (1 of 4 stars; one submission).

Conditions:
Hereditary hemorrhagic telangiectasia (HHT). Also called: ORW DISEASE; Osler Weber Rendu syndrome; OSLER-RENDU-WEBER DISEASE; Osler hemorrhagic telangiectasia syndrome. Identifiers: Orphanet 774, MedGen C0039445, MONDO:0019180. Disease mechanism: loss of function.

Submission:

Labcorp Genetics (formerly Invitae), Labcorp
Classification: Pathogenic for Hereditary hemorrhagic telangiectasia. Last evaluated: 2024-02-08. Review status: criteria provided, single submitter. Criteria: Invitae Variant Classification Sherloc (09022015). Collection method: clinical testing. Allele origin: germline.
Comment: This sequence change falls in intron 3 of the ENG gene. It does not directly change the encoded amino acid sequence of the ENG protein. RNA analysis indicates that this variant induces altered splicing and likely results in a shortened protein product. This variant is not present in population databases (gnomAD no frequency). This variant has been observed in individual(s) with hereditary hemorrhagic telangiectasia (PMID: 17786384, 25868896). This variant is also known as IVS3 + 3 del agtg. ClinVar contains an entry for this variant (Variation ID: 1496817). Variants that disrupt the consensus splice site are a relatively common cause of aberrant splicing (PMID: 17576681, 9536098). Studies have shown that this variant results in skipping of exon 3, but is expected to preserve the integrity of the reading-frame (PMID: 25868896). For these reasons, this variant has been classified as Pathogenic.

Literature cited by the submitters: PubMed 17786384; PubMed 25868896; PubMed 17576681; PubMed 9536098.